The following is an entry in ClinVar:

ClinVar aggregate classification (germline): Uncertain significance (1 of 4 stars; one submission).

Conditions:
Bardet-Biedl syndrome (BBS). Identifiers: Orphanet 110, MedGen C0752166, MONDO:0015229.

Submission:

Labcorp Genetics (formerly Invitae), Labcorp
Classification: Uncertain significance for Bardet-Biedl syndrome. Last evaluated: 2022-02-18. Review status: criteria provided, single submitter. Criteria: Invitae Variant Classification Sherloc (09022015). Collection method: clinical testing. Allele origin: germline.
Comment: This sequence change replaces lysine, which is basic and polar, with asparagine, which is neutral and polar, at codon 237 of the BBS7 protein (p.Lys237Asn). This variant is not present in population databases (gnomAD no frequency). This variant has not been reported in the literature in individuals affected with BBS7-related conditions. Algorithms developed to predict the effect of missense changes on protein structure and function (SIFT, PolyPhen-2, Align-GVGD) all suggest that this variant is likely to be tolerated. In summary, the available evidence is currently insufficient to determine the role of this variant in disease. Therefore, it has been classified as a Variant of Uncertain Significance.

NM_176824.3(BBS7):c.711G>T (p.Lys237Asn)

Gene: BBS7 (Bardet-Biedl syndrome 7; minus strand). Cytogenetic location: 4q27.
Variant type: single nucleotide variant.
Coding change: c.711G>T on transcript NM_176824.3 (MANE Select); coding-DNA position 711, G replaced by T.
Protein change: p.Lys237Asn; replaces lysine 237 with asparagine.
Molecular consequence: missense variant.
Genome position (GRCh38, 1-based): chr4:121,854,711, C>A on the plus strand (G>T on the coding strand, the complement: BBS7 is on the minus strand). VCF-style: chr4-121854711-C-A. GRCh37 (hg19) VCF-style: chr4-122775866-C-A.
Other names: c.711G>T, p.Lys237Asn (NM_018190.4); short protein forms K237N.
Identifiers: ClinVar variation 2098931 (VCV002098931.4), dbSNP rs2476528761, ClinGen allele CA358065574.